The following is an entry in ClinVar:

NM_000170.3(GLDC):c.1862del (p.Gly621fs)

Gene: GLDC (glycine decarboxylase; minus strand). Cytogenetic location: 9p24.1.
Variant type: Deletion.
Coding change: c.1862del on transcript NM_000170.3 (MANE Select); coding-DNA position 1862, one base deleted (G; older notation c.1862delG).
Protein change: p.Gly621fs; shifts the reading frame from glycine 621.
Molecular consequence: frameshift variant.
Genome position (GRCh38, 1-based): chr9:6,565,418, C deleted on the plus strand (G on the coding strand, the reverse complement: GLDC is on the minus strand); the first of 3 consecutive C bases (chr9:6,565,418-6,565,420); deleting any one gives the same sequence. VCF-style (leftmost placement, unchanged base first): chr9-6565417-TC-T. GRCh37 (hg19) VCF-style: chr9-6565417-TC-T.
Other names: short protein forms G621fs.
Identifiers: ClinVar variation 936006 (VCV000936006.8), dbSNP rs1449126451, ClinGen allele CA865909314.

ClinVar aggregate classification (germline): Pathogenic (1 of 4 stars; one submission).

Conditions:
Glycine encephalopathy. Also called: Nonketotic hyperglycinemia; Non-ketotic hyperglycinemia. Identifiers: Orphanet 407, MedGen C0751748, MONDO:0011612, HP:0008288.

Submission:

Labcorp Genetics (formerly Invitae), Labcorp
Classification: Pathogenic for Glycine encephalopathy. Last evaluated: 2022-04-14. Review status: criteria provided, single submitter. Criteria: Invitae Variant Classification Sherloc (09022015). Collection method: clinical testing. Allele origin: germline.
Comment: This sequence change creates a premature translational stop signal (p.Gly621Glufs*13) in the GLDC gene. It is expected to result in an absent or disrupted protein product. Loss-of-function variants in GLDC are known to be pathogenic (PMID: 16601880). This variant is not present in population databases (gnomAD no frequency). This variant has not been reported in the literature in individuals affected with GLDC-related conditions. ClinVar contains an entry for this variant (Variation ID: 936006). For these reasons, this variant has been classified as Pathogenic.

Literature cited by the submitters: PubMed 16601880.